The following is an entry in ClinVar:

ClinVar aggregate classification (somatic clinical impact): Tier I - Strong (1 of 4 stars; one submission).

Conditions:
Medulloblastoma WNT activated. Identifiers: MedGen C4331965, MONDO:0850196.

Submission:

Institute for Genomic Medicine (IGM) Clinical Laboratory, Nationwide Children's Hospital
Classification: Tier I - Strong for Medulloblastoma WNT activated. Assertion type: diagnostic. Clinical significance: supports diagnosis. Last evaluated: 2024-01-17. Review status: criteria provided, single submitter. Criteria: AMP/ASCO/CAP Guidelines, 2017. Collection method: clinical testing. Allele origin: somatic. Affected: yes.
Comment: Variant has Tier I (strong) clinical significance as a diagnostic inclusion criterion in medulloblastoma WNT activated, based on the following evidence: 1) Appears in one or more well-established professional guidelines (e.g., World Health Organization [WHO]; National Comprehensive Cancer Network [NCCN]) as providing diagnostic, prognostic, or therapeutic information. 2) Information in the literature supports potential biologic effect of variant (PMID: 22820256). 3) Diagnostic for a specific tumor type/classification based on well-powered studies with expert-level consensus (Evidence Level B; PMIDs: 22832583, 22722829, 28726821, 22820256).

Literature cited by the submitters: PubMed 22820256; PubMed 22832583; PubMed 22722829; PubMed 28726821.

NM_001356.5(DDX3X):c.1607G>A (p.Gly536Glu)

Gene: DDX3X (DEAD-box helicase 3 X-linked; plus strand). Cytogenetic location: Xp11.4.
Variant type: single nucleotide variant.
Coding change: c.1607G>A on transcript NM_001356.5 (MANE Select); coding-DNA position 1607, G replaced by A.
Protein change: p.Gly536Glu; replaces glycine 536 with glutamic acid.
Molecular consequence: missense variant. On other transcripts: non-coding transcript variant (1).
Genome position (GRCh38, 1-based): chrX:41,346,614, G>A. VCF-style: chrX-41346614-G-A. GRCh37 (hg19) VCF-style: chrX-41205867-G-A.
Other names: c.1607G>A, p.Gly536Glu (NM_001193416.3); c.1559G>A, p.Gly520Glu (NM_001193417.3); c.1049G>A, p.Gly350Glu (NM_001363819.1); short protein forms G350E, G520E, G536E.
Identifiers: ClinVar variation 4530075 (VCV004530075.1).